The following is an entry in ClinVar:

ClinVar aggregate classification (germline): Uncertain significance (1 of 4 stars; one submission).

Conditions:
Hereditary cancer-predisposing syndrome. Also called: Hereditary neoplastic syndrome; Tumor predisposition; Neoplastic Syndromes, Hereditary; Hereditary Cancer Syndrome. Identifiers: Orphanet 140162, MedGen C0027672, MeSH D009386, MONDO:0015356.

Submission:

Sema4
Classification: Uncertain significance for Hereditary cancer-predisposing syndrome. Last evaluated: 2021-09-09. Review status: criteria provided, single submitter. Criteria: Sema4 Curation Guidelines. Collection method: curation. Allele origin: germline.
Comment: The BMPR1A c.1286A>T (p.D429V) variant has not been reported in individuals with BMPR1A-related disease to our knowledge. This variant was not observed in the large and broad cohorts of the Genome Aggregation Database (PMID: 32461654). This variant has not been reported in ClinVar. In silico tools suggest the impact of the variant on protein function is deleterious, though these predictions have not been confirmed by functional studies. The overall evidence is insufficient to meet ACMG/AMP criteria for classifying it as benign or pathogenic. In summary, the clinical significance of this variant is currently uncertain.

NM_004329.3(BMPR1A):c.1286A>T (p.Asp429Val)

Gene: BMPR1A (bone morphogenetic protein receptor type 1A; plus strand). Cytogenetic location: 10q23.2.
Variant type: single nucleotide variant.
Coding change: c.1286A>T on transcript NM_004329.3 (MANE Select); coding-DNA position 1286, A replaced by T.
Protein change: p.Asp429Val; replaces aspartic acid 429 with valine.
Molecular consequence: missense variant.
Genome position (GRCh38, 1-based): chr10:86,921,639, A>T. VCF-style: chr10-86921639-A-T. GRCh37 (hg19) VCF-style: chr10-88681396-A-T.
Other names: short protein forms D429V.
Identifiers: ClinVar variation 1692789 (VCV001692789.1), dbSNP rs2133607906, ClinGen allele CA377462243.